The following is an entry in ClinVar:

ClinVar aggregate classification (germline): Uncertain significance. Review status: criteria provided, multiple submitters, no conflicts (2 of 4 stars). 6 submissions from 6 submitters: Uncertain significance (6). Last evaluated 2025-01-06.

Conditions:
Hereditary cancer-predisposing syndrome. Also called: Tumor predisposition; Hereditary neoplastic syndrome; Neoplastic Syndromes, Hereditary; Hereditary Cancer Syndrome. Identifiers: Orphanet 140162, MedGen C0027672, MeSH D009386, MONDO:0015356.
Hereditary breast ovarian cancer syndrome. Also called: Hereditary breast and ovarian cancer syndrome; Hereditary breast and ovarian cancer; Hereditary breast and ovarian cancer syndrome (HBOC); Breast and ovarian cancer; BRCA1- and BRCA2-Associated Hereditary Breast and Ovarian Cancer; Hereditary breast and/or ovarian cancer syndrome. Identifiers: Orphanet 145, MedGen C0677776, MeSH D061325, MONDO:0003582. Disease mechanism: loss of function.
Breast-ovarian cancer, familial, susceptibility to, 2 (BROVCA2). Also called: BRCA2 Hereditary Breast and Ovarian Cancer. Identifiers: Orphanet 145, MedGen C2675520, MONDO:0012933, OMIM 612555. Disease mechanism: loss of function.

Submissions (6):

Ambry Genetics
Classification: Uncertain significance for Hereditary cancer-predisposing syndrome. Last evaluated: 2025-01-06. Review status: criteria provided, single submitter. Criteria: Ambry Variant Classification Scheme 2023. Collection method: clinical testing. Allele origin: germline.
Comment: The p.S2998F variant (also known as c.8993C>T), located in coding exon 22 of the BRCA2 gene, results from a C to T substitution at nucleotide position 8993. The serine at codon 2998 is replaced by phenylalanine, an amino acid with highly dissimilar properties. This alteration has been reported in a cohort of 1105 individuals tested using a 29-gene next-generation sequencing panel (Lincoln SE et al. J Mol Diagn, 2015 Sep;17:533-44). This amino acid position is well conserved in available vertebrate species. In addition, the in silico prediction for this alteration is inconclusive. Since supporting evidence is limited at this time, the clinical significance of this alteration remains unclear.

Color Diagnostics, LLC DBA Color Health
Classification: Uncertain significance for Hereditary cancer-predisposing syndrome. Last evaluated: 2024-11-19. Review status: criteria provided, single submitter. Criteria: ACMG Guidelines, 2015. Collection method: clinical testing. Allele origin: germline.
Comment: This missense variant replaces serine with phenylalanine at codon 2998 of the BRCA2 protein. Computational prediction suggests that this variant may not impact protein structure and function. To our knowledge, functional studies have not been reported for this variant. This variant has been reported in an individual with a personal or family history of cancer (PMID: 26207792). This variant has been identified in 1/250772 chromosomes in the general population by the Genome Aggregation Database (gnomAD). The available evidence is insufficient to determine the role of this variant in disease conclusively. Therefore, this variant is classified as a Variant of Uncertain Significance.

Women's Health and Genetics/Laboratory Corporation of America, LabCorp
Classification: Uncertain significance. Last evaluated: 2024-03-07. Review status: criteria provided, single submitter. Criteria: LabCorp Variant Classification Summary - May 2015. Collection method: clinical testing. Allele origin: germline.
Comment: Variant summary: BRCA2 c.8993C>T (p.Ser2998Phe) results in a non-conservative amino acid change located in the BRCA2, OB2 domain (IPR048262) of the encoded protein sequence. Five of five in-silico tools predict a damaging effect of the variant on protein function. The variant allele was found at a frequency of 4e-06 in 250772 control chromosomes. The available data on variant occurrences in the general population are insufficient to allow any conclusion about variant significance. c.8993C>T has been reported in the literature as a VUS in settings of multigene panel testing among individuals affected with breast and/or ovarian cancer (example, Tung_2015). These report(s) do not provide unequivocal conclusions about association of the variant with Hereditary Breast And Ovarian Cancer Syndrome. To our knowledge, no experimental evidence demonstrating an impact on protein function has been reported. The following publication have been ascertained in the context of this evaluation (PMID: 26207792). ClinVar contains an entry for this variant (Variation ID: 135819). Based on the evidence outlined above, the variant was classified as uncertain significance.

All of Us Research Program, National Institutes of Health
Classification: Uncertain significance for Breast-ovarian cancer, familial, susceptibility to, 2. Last evaluated: 2024-02-05. Review status: criteria provided, single submitter. Criteria: ACMG Guidelines, 2015. Collection method: clinical testing. Allele origin: germline. Inheritance: Autosomal dominant inheritance. Observed: 1 variant allele, 1 heterozygote.
Comment: This missense variant replaces serine with phenylalanine at codon 2998 of the BRCA2 protein. Computational prediction suggests that this variant may not impact protein structure and function (internally defined REVEL score threshold <= 0.5, PMID: 27666373). To our knowledge, functional studies have not been reported for this variant. This variant has been reported in an individual with a personal or family history of cancer (PMID: 26207792). This variant has been identified in 1/250772 chromosomes in the general population by the Genome Aggregation Database (gnomAD). The available evidence is insufficient to determine the role of this variant in disease conclusively. Therefore, this variant is classified as a Variant of Uncertain Significance.

This study involves interpretation of variants in research participants for the purpose of population health screening. Participant phenotype was not available at the time of variant classification. Additional details can be found in publication PMID: 35346344, PMCID: PMC8962531

Labcorp Genetics (formerly Invitae), Labcorp
Classification: Uncertain significance for Hereditary breast ovarian cancer syndrome. Last evaluated: 2023-07-19. Review status: criteria provided, single submitter. Criteria: Invitae Variant Classification Sherloc (09022015). Collection method: clinical testing. Allele origin: germline.
Comment: This sequence change replaces serine, which is neutral and polar, with phenylalanine, which is neutral and non-polar, at codon 2998 of the BRCA2 protein (p.Ser2998Phe). This variant is present in population databases (rs587780664, gnomAD 0.006%). This missense change has been observed in individual(s) with a personal or family history of cancer (PMID: 26207792). ClinVar contains an entry for this variant (Variation ID: 135819). Advanced modeling of protein sequence and biophysical properties (such as structural, functional, and spatial information, amino acid conservation, physicochemical variation, residue mobility, and thermodynamic stability) performed at Invitae indicates that this missense variant is not expected to disrupt BRCA2 protein function. Algorithms developed to predict the effect of sequence changes on RNA splicing suggest that this variant may create or strengthen a splice site. In summary, the available evidence is currently insufficient to determine the role of this variant in disease. Therefore, it has been classified as a Variant of Uncertain Significance.

GeneDx
Classification: Uncertain significance. Last evaluated: 2023-01-05. Review status: criteria provided, single submitter. Criteria: GeneDx Variant Classification Process June 2021. Collection method: clinical testing. Allele origin: germline. Affected: yes.
Comment: Not observed at significant frequency in large population cohorts (gnomAD); In silico analysis supports that this missense variant does not alter protein structure/function; Also known as 9221C>T; Observed in an individual referred for multi-gene panel testing for a personal and/or family history suggestive of hereditary breast and ovarian cancer (Lincoln et al., 2015); This variant is associated with the following publications: (PMID: 29884841, 32377563, 12228710, 26207792)

Literature cited by the submitters: PubMed 26207792 (cited by 5 submitters).

NM_000059.4(BRCA2):c.8993C>T (p.Ser2998Phe)

Gene: BRCA2 (BRCA2 DNA repair associated; plus strand). Cytogenetic location: 13q13.1.
Variant type: single nucleotide variant.
Coding change: c.8993C>T on transcript NM_000059.4 (MANE Select); coding-DNA position 8993, C replaced by T.
Protein change: p.Ser2998Phe; replaces serine 2998 with phenylalanine.
Molecular consequence: missense variant.
Genome position (GRCh38, 1-based): chr13:32,379,789, C>T. VCF-style: chr13-32379789-C-T. GRCh37 (hg19) VCF-style: chr13-32953926-C-T.
Other names: short protein forms S2998F.
Identifiers: ClinVar variation 135819 (VCV000135819.22), dbSNP rs587780664, ClinGen allele CA025916.